The following is an entry in ClinVar:

ClinVar aggregate classification (germline): Likely pathogenic (1 of 4 stars; one submission).

Conditions:
Diamond-Blackfan anemia. Also called: Blackfan Diamond syndrome; Aregenerative anemia chronic congenital; Red cell aplasia, pure hereditary; Congenital hypoplastic anemia; Aase syndrome. Identifiers: Orphanet 124, MedGen C1260899, MeSH D029503, MONDO:0015253, HP:0004810.

Submission:

Labcorp Genetics (formerly Invitae), Labcorp
Classification: Likely pathogenic for Diamond-Blackfan anemia. Last evaluated: 2025-09-15. Review status: criteria provided, single submitter. Criteria: Invitae Variant Classification Sherloc (09022015). Collection method: clinical testing. Allele origin: germline.
Comment: This sequence change affects an acceptor splice site in intron 3 of the RPL11 gene. It is expected to disrupt RNA splicing. Variants that disrupt the donor or acceptor splice site typically lead to a loss of protein function (PMID: 16199547), and loss-of-function variants in RPL11 are known to be pathogenic (PMID: 19061985, 19773262). This variant is not present in population databases (gnomAD no frequency). Disruption of this splice site has been observed in individual(s) with Diamond-Blackfan anemia (PMID: 31855845). Algorithms developed to predict the effect of sequence changes on RNA splicing suggest that this variant may disrupt the consensus splice site. In summary, the currently available evidence indicates that the variant is pathogenic, but additional data are needed to prove that conclusively. Therefore, this variant has been classified as Likely Pathogenic.

Literature cited by the submitters: PubMed 16199547; PubMed 19061985; PubMed 19773262; PubMed 31855845.

NM_000975.5(RPL11):c.265-2A>C

Gene: RPL11 (ribosomal protein L11; plus strand). Cytogenetic location: 1p36.11.
Variant type: single nucleotide variant.
Coding change: c.265-2A>C on transcript NM_000975.5 (MANE Select); the canonical splice acceptor site of the intron before coding-DNA position 265, A replaced by C.
Molecular consequence: splice acceptor variant.
Genome position (GRCh38, 1-based): chr1:23,694,658, A>C. VCF-style: chr1-23694658-A-C. GRCh37 (hg19) VCF-style: chr1-24021148-A-C.
Other names: c.262-2A>C (NM_001199802.1).
Identifiers: ClinVar variation 4727220 (VCV004727220.1).